The following is an entry in ClinVar:

NM_002769.5(PRSS1):c.95A>T (p.Glu32Val)

Genes: PRSS1 (serine protease 1; plus strand), TRB (T cell receptor beta locus; plus strand). Cytogenetic location: 7q34.
Variant type: single nucleotide variant.
Coding change: c.95A>T on transcript NM_002769.5 (MANE Select); coding-DNA position 95, A replaced by T.
Protein change: p.Glu32Val; replaces glutamic acid 32 with valine.
Molecular consequence: missense variant. On other transcripts: non-coding transcript variant (2).
Genome position (GRCh38, 1-based): chr7:142,750,609, A>T. VCF-style: chr7-142750609-A-T. GRCh37 (hg19) VCF-style: chr7-142458460-A-T.
Other names: short protein forms E32V.
Identifiers: ClinVar variation 4841606 (VCV004841606.1).

ClinVar aggregate classification (germline): Uncertain significance (1 of 4 stars; one submission).

Conditions:
Hereditary pancreatitis (PCTT). Also called: Hereditary chronic pancreatitis; PRSS1-Related Hereditary Pancreatitis. Identifiers: Orphanet 676, MedGen C0238339, MONDO:0008185, OMIM 167800.

Submission:

Ambry Genetics
Classification: Uncertain significance for Hereditary pancreatitis. Last evaluated: 2025-12-17. Review status: criteria provided, single submitter. Criteria: Ambry Variant Classification Scheme 2023. Collection method: clinical testing. Allele origin: germline.
Comment: The p.E32V variant (also known as c.95A>T), located in coding exon 2 of the PRSS1 gene, results from an A to T substitution at nucleotide position 95. The glutamic acid at codon 32 is replaced by valine, an amino acid with dissimilar properties. This amino acid position is conserved. In addition, this alteration is predicted to be tolerated by in silico analysis. Based on the available evidence, the clinical significance of this variant remains unclear.